The following is an entry in ClinVar:

NM_173598.6(KSR2):c.1803-3C>T

Gene: KSR2 (kinase suppressor of ras 2; minus strand). Cytogenetic location: 12q24.22.
Variant type: single nucleotide variant.
Coding change: c.1803-3C>T on transcript NM_173598.6 (MANE Select); 3 bases into the intron before coding-DNA position 1803, C replaced by T.
Molecular consequence: intron variant.
Genome position (GRCh38, 1-based): chr12:117,527,122, G>A on the plus strand (C>T on the coding strand, the complement: KSR2 is on the minus strand). VCF-style: chr12-117527122-G-A. GRCh37 (hg19) VCF-style: chr12-117964927-G-A.
Identifiers: ClinVar variation 4761889 (VCV004761889.1).
Genomic context (GRCh38, chr12:117,527,122, plus strand): 5'-GATTCTCACCTCCGACGTTGGCTCCACTTCAATTTGAAGTAATGGATTTCCTTCCAAGCT[G>A]TAAAGAAAGAAAAATAAACGTGATCCCTAGGTGAAAAGGCAGGTCTATATATTGAGTTTA-3'

ClinVar aggregate classification (germline): Uncertain significance (1 of 4 stars; one submission).

gnomAD v4.1: 15 of 1,611,506 alleles (0.00093%); highest among the groups gnomAD compares: Middle Eastern, 0.016%; no homozygotes.

Submission:

Labcorp Genetics (formerly Invitae), Labcorp
Classification: Uncertain significance. Last evaluated: 2025-08-04. Review status: criteria provided, single submitter. Criteria: Invitae Variant Classification Sherloc (09022015). Collection method: clinical testing. Allele origin: germline.
Comment: This sequence change falls in intron 12 of the KSR2 gene. It does not directly change the encoded amino acid sequence of the KSR2 protein. It affects a nucleotide within the consensus splice site. This variant is present in population databases (rs750128668, gnomAD 0.004%). This variant has not been reported in the literature in individuals affected with KSR2-related conditions. Variants that disrupt the consensus splice site are a relatively common cause of aberrant splicing (PMID: 17576681, 9536098). Algorithms developed to predict the effect of sequence changes on RNA splicing suggest that this variant is not likely to affect RNA splicing. In summary, the available evidence is currently insufficient to determine the role of this variant in disease. Therefore, it has been classified as a Variant of Uncertain Significance.

Literature cited by the submitters: PubMed 17576681; PubMed 9536098.